The following is an entry in ClinVar:

ClinVar aggregate classification (germline): Pathogenic (1 of 4 stars; one submission).

Conditions:
RYR1-related disorder. Also called: RYR1-related condition; RYR1-related disorders. Identifiers: MedGen CN239331.

Submission:

Labcorp Genetics (formerly Invitae), Labcorp
Classification: Pathogenic for RYR1-related disorder. Last evaluated: 2023-12-06. Review status: criteria provided, single submitter. Criteria: Invitae Variant Classification Sherloc (09022015). Collection method: clinical testing. Allele origin: germline.
Comment: This variant is a gross deletion of the genomic region encompassing exon(s) 21-22 of the RYR1 gene. This deletion is out-of-frame, and is expected to create a premature termination codon and result in an absent or disrupted protein product. Loss-of-function variants in RYR1 are known to be pathogenic (PMID: 23919265, 25960145, 28818389, 30611313). This variant has not been reported in the literature in individuals affected with RYR1-related conditions. For these reasons, this variant has been classified as Pathogenic.

Literature cited by the submitters: PubMed 23919265; PubMed 25960145; PubMed 28818389; PubMed 30611313.

NC_000019.9:g.(?_38954043)_(38954510_?)del

Gene: RYR1 (ryanodine receptor 1; plus strand). Cytogenetic location: 19q13.2.
Variant type: Deletion.
Identifiers: ClinVar variation 2423265 (VCV002423265.4).